The following is an entry in ClinVar:

NM_014244.5(ADAMTS2):c.*1468A>G

Gene: ADAMTS2 (ADAM metallopeptidase with thrombospondin type 1 motif 2; minus strand). Cytogenetic location: 5q35.3.
Variant type: single nucleotide variant.
Coding change: c.*1468A>G on transcript NM_014244.5 (MANE Select); 1468 bases downstream of the stop codon, A replaced by G.
Molecular consequence: 3 prime UTR variant.
Genome position (GRCh38, 1-based): chr5:179,112,399, T>C on the plus strand (A>G on the coding strand, the complement: ADAMTS2 is on the minus strand). VCF-style: chr5-179112399-T-C. GRCh37 (hg19) VCF-style: chr5-178539400-T-C.
Identifiers: ClinVar variation 353064 (VCV000353064.5), dbSNP rs2059776, ClinGen allele CA10624350.

ClinVar aggregate classification (germline): Benign (1 of 4 stars; one submission).

Conditions:
Ehlers-Danlos syndrome, dermatosparaxis type. Also called: EDS VIIC; Dermatosparaxis; Ehlers-Danlos syndrome, type VII, autosomal recessive. Identifiers: Orphanet 1901, MedGen C2700425, MONDO:0009161, OMIM 225410.

Allele frequency attached by ClinVar (database versions not stated): gnomAD 0.72686 and 0.73135; TOPMed 0.73787; 1000 Genomes Project 30x 0.80262; 1000 Genomes Project 0.80451; gnomAD exomes 1.00000.
gnomAD v4.1: 111,291 of 152,068 alleles (73%); highest among the groups gnomAD compares: East Asian, 89%; 41,028 homozygotes.

Submission:

Illumina Laboratory Services, Illumina
Classification: Benign for Ehlers-Danlos syndrome, dermatosparaxis type. Last evaluated: 2018-01-12. Review status: criteria provided, single submitter. Criteria: ICSL Variant Classification Criteria 13 December 2019. Collection method: clinical testing. Allele origin: germline.
Comment: This variant was observed in the ICSL laboratory as part of a predisposition screen in an ostensibly healthy population. It had not been previously curated by ICSL or reported in the Human Gene Mutation Database (HGMD: prior to June 1st, 2018), and was therefore a candidate for classification through an automated scoring system. Utilizing variant allele frequency, disease prevalence and penetrance estimates, and inheritance mode, an automated score was calculated to assess if this variant is too frequent to cause the disease. Based on the score and internal cut-off values, a variant classified as benign is not then subjected to further curation. The score for this variant resulted in a classification of benign for this disease.